The following is an entry in ClinVar:

ClinVar aggregate classification (germline): Uncertain significance (1 of 4 stars; one submission).

Allele frequency attached by ClinVar (database versions not stated): TOPMed below 0.00001; gnomAD 0.00001.
gnomAD v4.1: 3 of 1,612,798 alleles (0.00019%); highest among the groups gnomAD compares: Non-Finnish European, 0.00025%; no homozygotes.

Submission:

Labcorp Genetics (formerly Invitae), Labcorp
Classification: Uncertain significance. Last evaluated: 2024-01-04. Review status: criteria provided, single submitter. Criteria: Invitae Variant Classification Sherloc (09022015). Collection method: clinical testing. Allele origin: germline.
Comment: This sequence change replaces proline, which is neutral and non-polar, with arginine, which is basic and polar, at codon 228 of the SLIT2 protein (p.Pro228Arg). This variant is not present in population databases (gnomAD no frequency). This variant has not been reported in the literature in individuals affected with SLIT2-related conditions. An algorithm developed to predict the effect of missense changes on protein structure and function (PolyPhen-2) suggests that this variant is likely to be disruptive. In summary, the available evidence is currently insufficient to determine the role of this variant in disease. Therefore, it has been classified as a Variant of Uncertain Significance.

NM_004787.4(SLIT2):c.683C>G (p.Pro228Arg)

Gene: SLIT2 (slit guidance ligand 2; plus strand). Cytogenetic location: 4p15.31.
Variant type: single nucleotide variant.
Coding change: c.683C>G on transcript NM_004787.4 (MANE Select); coding-DNA position 683, C replaced by G.
Protein change: p.Pro228Arg; replaces proline 228 with arginine.
Molecular consequence: missense variant.
Genome position (GRCh38, 1-based): chr4:20,488,890, C>G. VCF-style: chr4-20488890-C-G. GRCh37 (hg19) VCF-style: chr4-20490513-C-G.
Other names: c.683C>G, p.Pro228Arg (NM_001289135.3, NM_001289136.3); short protein forms P228R.
Identifiers: ClinVar variation 2707313 (VCV002707313.3), dbSNP rs1164606679, ClinGen allele CA356452096.
Genomic context (GRCh38, chr4:20,488,890, plus strand): 5'-CAAACAACCTGTATTGTGACTGCCACCTGGCCTGGCTCTCCGACTGGCTTCGCCAAAGGC[C>G]TCGGGTTGGTCTGTACACTCAGTGTATGGGCCCCTCCCACCTGAGAGGCCATAATGTAGC-3'
Protein context (NP_004778.1, residues 218-238): AWLSDWLRQR[Pro228Arg]RVGLYTQCMG